The following is an entry in ClinVar:

NM_001374828.1(ARID1B):c.3585G>A (p.Trp1195Ter)

Gene: ARID1B (AT-rich interaction domain 1B; plus strand). Cytogenetic location: 6q25.3.
Variant type: single nucleotide variant.
Coding change: c.3585G>A on transcript NM_001374828.1 (MANE Select); coding-DNA position 3585, G replaced by A.
Protein change: p.Trp1195Ter; replaces tryptophan 1195 with a stop codon.
Molecular consequence: nonsense.
Genome position (GRCh38, 1-based): chr6:157,181,049, G>A. VCF-style: chr6-157181049-G-A. GRCh37 (hg19) VCF-style: chr6-157502183-G-A.
Other names: c.3216G>A (NM_020732.3); c.1086G>A, p.Trp362Ter (NM_001363725.2); c.3465G>A, p.Trp1155Ter (NM_001371656.1, NM_001374820.1); c.3426G>A, p.Trp1142Ter (NM_017519.3); short protein forms W1142*, W1155*, W1195*, W362*.
Identifiers: ClinVar variation 1177361 (VCV001177361.4), dbSNP rs1554231205, ClinGen allele CA366227554.

ClinVar aggregate classification (germline): Pathogenic. Review status: criteria provided, multiple submitters, no conflicts (2 of 4 stars). 3 submissions from 3 submitters: Pathogenic (3). Last evaluated 2025-06-01.

Conditions:
ARID1B-related BAFopathy.
Coffin-Siris syndrome 1 (CSS1). Also called: Mental retardation, autosomal dominant 12; ARID1B-Related Coffin-Siris Syndrome. Identifiers: Orphanet 1465, MedGen C3281201, MONDO:0007617, OMIM 135900. Disease mechanism: gain of function.

Submissions (3):

Department of Maternal-Fetal Biology, National Research Institute for Child Health and Development
Classification: Pathogenic for Coffin-Siris syndrome 1. Last evaluated: 2025-06-01. Review status: criteria provided, single submitter. Criteria: ACMG Guidelines, 2015. Collection method: clinical testing. Allele origin: de novo. Affected: yes. Observed: 1 variant allele.
Comment: The NM_001374828.1:c.3585G>A is a nonsense variant in ARID1B and is predicted to result in a premature stop codon at amino acid residue position 1195. Therefore, it likely results in a disrupted or absent protein product (PVS1). This variant is not present in gnomAD v4.1.0 and jMorp database (PM2). Based on the variant annotation of PVS1+PS2+PM2+PP4, we classified this variant as a pathogenic variant. The targeted sequencing was conducted at the Division of Clinical Sequencing, Shinshu University School of Medicine.

Baylor Genetics
Classification: Pathogenic for ARID1B-related BAFopathy. Last evaluated: 2021-06-10. Review status: criteria provided, single submitter. Criteria: ACMG Guidelines, 2015. Collection method: clinical testing. Allele origin: de novo. Affected: yes.

Juno Genomics, Hangzhou Juno Genomics, Inc
Classification: Pathogenic for Coffin-Siris syndrome 1. Review status: criteria provided, single submitter. Criteria: ACMG Guidelines, 2015. Collection method: clinical testing. Allele origin: germline.
Comment: Absent from controls (or at extremely low frequency if recessive) in Genome Aggregation Database.;De novo (both maternity and paternity confirmed) in a patient with the disease and no family history.;Null variant in a gene where loss of function (LOF) is a known mechanism of disease.